The following is an entry in ClinVar:

NM_000064.4(C3):c.1345G>T (p.Val449Leu)

Gene: C3 (complement C3; minus strand). Cytogenetic location: 19p13.3.
Variant type: single nucleotide variant.
Coding change: c.1345G>T on transcript NM_000064.4 (MANE Select); coding-DNA position 1345, G replaced by T.
Protein change: p.Val449Leu; replaces valine 449 with leucine.
Molecular consequence: missense variant.
Genome position (GRCh38, 1-based): chr19:6,711,121, C>A on the plus strand (G>T on the coding strand, the complement: C3 is on the minus strand). VCF-style: chr19-6711121-C-A. GRCh37 (hg19) VCF-style: chr19-6711132-C-A.
Other names: short protein forms V449L.
Identifiers: ClinVar variation 2182857 (VCV002182857.4), dbSNP rs778633133, ClinGen allele CA9129483.

ClinVar aggregate classification (germline): Uncertain significance (1 of 4 stars; one submission).

Allele frequency attached by ClinVar (database versions not stated): ExAC 0.00001.
gnomAD v4.1: 8 of 1,613,972 alleles (0.0005%); highest among the groups gnomAD compares: Middle Eastern, 0.016%; no homozygotes.

Submission:

Labcorp Genetics (formerly Invitae), Labcorp
Classification: Uncertain significance. Last evaluated: 2022-01-23. Review status: criteria provided, single submitter. Criteria: Invitae Variant Classification Sherloc (09022015). Collection method: clinical testing. Allele origin: germline.
Comment: This sequence change replaces valine, which is neutral and non-polar, with leucine, which is neutral and non-polar, at codon 449 of the C3 protein (p.Val449Leu). This variant is present in population databases (rs778633133, gnomAD 0.0009%). This variant has not been reported in the literature in individuals affected with C3-related conditions. Algorithms developed to predict the effect of missense changes on protein structure and function output the following: SIFT: "Tolerated"; PolyPhen-2: "Benign"; Align-GVGD: "Class C0". The leucine amino acid residue is found in multiple mammalian species, which suggests that this missense change does not adversely affect protein function. In summary, the available evidence is currently insufficient to determine the role of this variant in disease. Therefore, it has been classified as a Variant of Uncertain Significance.